The following is an entry in ClinVar:

NC_000001.10:g.(?_235606147)_(235667552_?)dup

Genes: B3GALNT2 (beta-1,3-N-acetylgalactosaminyltransferase 2; minus strand), TBCE (tubulin folding cofactor E; plus strand). Cytogenetic location: 1q42.3.
Variant type: Duplication.
Identifiers: ClinVar variation 1410785 (VCV001410785.5).

ClinVar aggregate classification (germline): Uncertain significance (1 of 4 stars; one submission).

Submission:

Labcorp Genetics (formerly Invitae), Labcorp
Classification: Uncertain significance. Last evaluated: 2022-10-13. Review status: criteria provided, single submitter. Criteria: Invitae Variant Classification Sherloc (09022015). Collection method: clinical testing. Allele origin: germline.
Comment: This variant results in a copy number gain of the genomic region encompassing exon(s) 15-17 of the TBCE gene. This region includes the termination codon of the gene. This copy number gain extends beyond the assayed region for this gene and therefore may encompass additional genes. As the precise location of this event is unknown, it may be in tandem or it may be located elsewhere in the genome. This variant has not been reported in the literature in individuals affected with TBCE-related conditions. In summary, the available evidence is currently insufficient to determine the role of this variant in disease. Therefore, it has been classified as a Variant of Uncertain Significance.